The following is an entry in ClinVar:

ClinVar aggregate classification (germline): Uncertain significance (0 of 4 stars; one submission).

Conditions:
PCDH19-related disorder. Also called: PCDH19-related condition.

gnomAD v4.1: 4 of 1,210,114 alleles (0.00033%); highest among the groups gnomAD compares: East Asian, 0.0059%; no homozygotes.

Submission:

PreventionGenetics, part of Exact Sciences
Classification: Uncertain significance for PCDH19-related condition. Last evaluated: 2024-07-23. Review status: no assertion criteria provided. Collection method: clinical testing. Allele origin: germline.
Comment: The PCDH19 c.1852G>A variant is predicted to result in the amino acid substitution p.Asp618Asn. This variant has not been reported in a large population database, indicating this variant is rare. Although we suspect that this variant may be pathogenic, at this time, the clinical significance of this variant is uncertain due to the absence of conclusive functional and genetic evidence.

NM_001184880.2(PCDH19):c.1852G>A (p.Asp618Asn)

Gene: PCDH19 (protocadherin 19; minus strand). Cytogenetic location: Xq22.1.
Variant type: single nucleotide variant.
Coding change: c.1852G>A on transcript NM_001184880.2 (MANE Select); coding-DNA position 1852, G replaced by A.
Protein change: p.Asp618Asn; replaces aspartic acid 618 with asparagine.
Molecular consequence: missense variant.
Genome position (GRCh38, 1-based): chrX:100,406,746, C>T on the plus strand (G>A on the coding strand, the complement: PCDH19 is on the minus strand). VCF-style: chrX-100406746-C-T. GRCh37 (hg19) VCF-style: chrX-99661744-C-T.
Other names: c.1852G>A, p.Asp618Asn (NM_001105243.2, NM_020766.3); short protein forms D618N.
Identifiers: ClinVar variation 3355543 (VCV003355543.1).